The following is an entry in ClinVar:

NM_001184880.2(PCDH19):c.1366C>T (p.Pro456Ser)

Gene: PCDH19 (protocadherin 19; minus strand). Cytogenetic location: Xq22.1.
Variant type: single nucleotide variant.
Coding change: c.1366C>T on transcript NM_001184880.2 (MANE Select); coding-DNA position 1366, C replaced by T.
Protein change: p.Pro456Ser; replaces proline 456 with serine.
Molecular consequence: missense variant.
Genome position (GRCh38, 1-based): chrX:100,407,232, G>A on the plus strand (C>T on the coding strand, the complement: PCDH19 is on the minus strand). VCF-style: chrX-100407232-G-A. GRCh37 (hg19) VCF-style: chrX-99662230-G-A.
Other names: c.1366C>T, p.Pro456Ser (NM_001105243.2, NM_020766.3); short protein forms P456S.
Identifiers: ClinVar variation 2891886 (VCV002891886.3), dbSNP rs2147538960, ClinGen allele CA414002880.

ClinVar aggregate classification (germline): Uncertain significance (1 of 4 stars; one submission).

Conditions:
Developmental and epileptic encephalopathy, 9 (DEE9). Also called: Early infantile epileptic encephalopathy 9; PCDH19-Related X-Linked Female-Limited Epilepsy with Mental Retardation; EPILEPSY, FEMALE-RESTRICTED, WITH MENTAL RETARDATION; JUBERG-HELLMAN SYNDROME. Identifiers: Orphanet 101039, Orphanet 2076, MedGen C1848137, MONDO:0010246, OMIM 300088. Disease mechanism: loss of function.

gnomAD v4.1: 10 of 1,211,679 alleles (0.00083%); highest among the groups gnomAD compares: Non-Finnish European, 0.0011%; no homozygotes.

Submission:

Labcorp Genetics (formerly Invitae), Labcorp
Classification: Uncertain significance for Developmental and epileptic encephalopathy, 9. Last evaluated: 2024-04-22. Review status: criteria provided, single submitter. Criteria: Invitae Variant Classification Sherloc (09022015). Collection method: clinical testing. Allele origin: germline.
Comment: This sequence change replaces proline, which is neutral and non-polar, with serine, which is neutral and polar, at codon 456 of the PCDH19 protein (p.Pro456Ser). This variant is not present in population databases (gnomAD no frequency). This variant has not been reported in the literature in individuals affected with PCDH19-related conditions. Advanced modeling of protein sequence and biophysical properties (such as structural, functional, and spatial information, amino acid conservation, physicochemical variation, residue mobility, and thermodynamic stability) performed at Invitae indicates that this missense variant is not expected to disrupt PCDH19 protein function with a negative predictive value of 95%. In summary, the available evidence is currently insufficient to determine the role of this variant in disease. Therefore, it has been classified as a Variant of Uncertain Significance.